The following is an entry in ClinVar:

NM_002834.5(PTPN11):c.173_175del (p.Asn58del)

Gene: PTPN11 (protein tyrosine phosphatase non-receptor type 11; plus strand). Cytogenetic location: 12q24.13.
Variant type: Deletion.
Coding change: c.173_175del on transcript NM_002834.5 (MANE Select); coding-DNA positions 173 to 175, 3 bases deleted (ACA; older notation c.173_175delACA).
Protein change: p.Asn58del; deletes asparagine 58.
Molecular consequence: inframe deletion.
Genome position (GRCh38, 1-based): chr12:112,450,353-112,450,355, ACA deleted; deleting any 3 consecutive bases within chr12:112,450,352-112,450,355 gives the same sequence; the c. name uses the placement nearest the transcript's 3' end. VCF-style (leftmost placement, unchanged base first): chr12-112450351-GAAC-G. GRCh37 (hg19) VCF-style: chr12-112888155-GAAC-G.
Other names: c.173_175del, p.Asn58del (NM_001330437.2, NM_080601.3); c.170_172del, p.Asn57del (NM_001374625.1); short protein forms N57del, N58del.
Identifiers: ClinVar variation 2921007 (VCV002921007.1), dbSNP rs2540415621, ClinGen allele CA2739277319.

ClinVar aggregate classification (germline): Likely pathogenic (1 of 4 stars; one submission).

Submission:

ARUP Laboratories, Molecular Genetics and Genomics, ARUP Laboratories
Classification: Likely pathogenic. Last evaluated: 2023-08-10. Review status: criteria provided, single submitter. Criteria: ARUP Molecular Germline Variant Investigation Process 2024. Collection method: clinical testing. Allele origin: germline.
Comment: The PTPN11 c.173_175del; p.Asn58del variant, to our knowledge, is not reported in the medical literature or gene specific databases. This variant is also absent from the Genome Aggregation Database, indicating it is not a common polymorphism. This variant deletes a critical residue that is directly involved in the interdomain interactions between the N-SH2 and PTPN domains (Tartaglia 2005). Additionally, other amino acid substitutions at this codon (His, Asp, Lys, Ser, Tyr) have been reported in individuals with Noonan syndrome and are considered pathogenic (Hakami 2016, Leach 2019). This variant deletes a single asparagine residue leaving the rest of the protein in-frame. Based on available information, this variant is considered to be likely pathogenic. References: Hakami F et al. Retrospective study of prenatal ultrasound findings in newborns with a Noonan spectrum disorder. Prenat Diagn. 2016 May;36(5):418-23. PMID: 26918529. Leach NT et al. Comparative assessment of gene-specific variant distribution in prenatal and postnatal cohorts tested for Noonan syndrome and related conditions. Genet Med. 2019 Feb;21(2):417-425. PMID: 29907801. Tartaglia M et al. Germ-line and somatic PTPN11 mutations in human disease. Eur J Med Genet. 2005 Apr-Jun;48(2):81-96. PMID: 16053901.